The following is an entry in ClinVar:

NM_001303256.3(MORC2):c.1849C>G (p.Pro617Ala)

Gene: MORC2 (MORC family CW-type zinc finger 2; minus strand). Cytogenetic location: 22q12.2.
Variant type: single nucleotide variant.
Coding change: c.1849C>G on transcript NM_001303256.3 (MANE Select); coding-DNA position 1849, C replaced by G.
Protein change: p.Pro617Ala; replaces proline 617 with alanine.
Molecular consequence: missense variant.
Genome position (GRCh38, 1-based): chr22:30,935,125, G>C on the plus strand (C>G on the coding strand, the complement: MORC2 is on the minus strand). VCF-style: chr22-30935125-G-C. GRCh37 (hg19) VCF-style: chr22-31331112-G-C.
Other names: c.1849C>G, p.Pro617Ala (NM_001303257.2); c.1663C>G, p.Pro555Ala (NM_014941.3); short protein forms P555A, P617A.
Identifiers: ClinVar variation 3902518 (VCV003902518.1).

ClinVar aggregate classification (germline): Uncertain significance (1 of 4 stars; one submission).

gnomAD v4.1: 1 of 1,613,612 alleles (0.000062%); highest among the groups gnomAD compares: Non-Finnish European, 0.000085%; no homozygotes.

Submission:

Women's Health and Genetics/Laboratory Corporation of America, LabCorp
Classification: Uncertain significance. Last evaluated: 2025-05-28. Review status: criteria provided, single submitter. Criteria: LabCorp Variant Classification Summary - May 2015. Collection method: clinical testing. Allele origin: germline.
Comment: Variant summary: MORC2 c.1849C>G (p.Pro617Ala) results in a non-conservative amino acid change in the encoded protein sequence. Algorithms developed to predict the effect of missense changes on protein structure and function are either unavailable or do not agree on the potential impact of this missense change. The variant was absent in 250040 control chromosomes. The available data on variant occurrences in the general population are insufficient to allow any conclusion about variant significance. To our knowledge, no occurrence of c.1849C>G in individuals affected with Charcot-Marie-Tooth disease axonal type 2Z and no experimental evidence demonstrating its impact on protein function have been reported. No submitters have cited clinical-significance assessments for this variant to ClinVar. Based on the evidence outlined above, the variant was classified as uncertain significance.